The following is an entry in ClinVar:

ClinVar aggregate classification (germline): Uncertain significance (1 of 4 stars; one submission).

Submission:

Labcorp Genetics (formerly Invitae), Labcorp
Classification: Uncertain significance. Last evaluated: 2022-03-03. Review status: criteria provided, single submitter. Criteria: Invitae Variant Classification Sherloc (09022015). Collection method: clinical testing. Allele origin: germline.
Comment: In summary, the available evidence is currently insufficient to determine the role of this variant in disease. Therefore, it has been classified as a Variant of Uncertain Significance. Experimental studies and prediction algorithms are not available or were not evaluated, and the functional significance of this variant is currently unknown. This variant has not been reported in the literature in individuals affected with CENPJ-related conditions. This variant is present in population databases (rs756125218, gnomAD 0.002%). This variant, c.2581_2583del, results in the deletion of 1 amino acid(s) of the CENPJ protein (p.Pro861del), but otherwise preserves the integrity of the reading frame.

NM_018451.5(CPAP):c.2578CCT[1] (p.Pro861del)

Gene: CPAP (centrosome assembly and centriole elongation protein; minus strand). Cytogenetic location: 13q12.13.
Variant type: Microsatellite.
Coding change: c.2578CCT[1] on transcript NM_018451.5 (MANE Select); one copy of the 3-base unit CCT starting at c.2578; the reference has two copies in a row; one copy, 3 bases deleted.
Protein change: p.Pro861del; deletes proline 861.
Molecular consequence: inframe deletion. On other transcripts: non-coding transcript variant (2).
Genome position (GRCh38, 1-based): chr13:24,905,455-24,905,457, AGG deleted on the plus strand (CCT on the coding strand, the reverse complement: CPAP is on the minus strand); deleting any 3 consecutive bases within chr13:24,905,455-24,905,461 gives the same sequence; the position shown is the placement nearest the transcript's 3' end. VCF-style (leftmost placement, unchanged base first): chr13-24905454-TAGG-T. GRCh37 (hg19) VCF-style: chr13-25479592-TAGG-T.
Other names: short protein forms P861del.
Identifiers: ClinVar variation 1449681 (VCV001449681.8), dbSNP rs756125218, ClinGen allele CA6919575.